The following is an entry in ClinVar:

NM_015340.4(LARS2):c.1123+196T>C

Genes: LARS2-AS1 (LARS2 antisense RNA 1; minus strand), LARS2 (leucyl-tRNA synthetase 2, mitochondrial; plus strand). Cytogenetic location: 3p21.31.
Variant type: single nucleotide variant.
Coding change: c.1123+196T>C on transcript NM_015340.4 (MANE Select); 196 bases into the intron after coding-DNA position 1123, T replaced by C.
Molecular consequence: intron variant.
Genome position (GRCh38, 1-based): chr3:45,485,992, T>C. VCF-style: chr3-45485992-T-C. GRCh37 (hg19) VCF-style: chr3-45527484-T-C.
Other names: c.1123+196T>C (NM_001368263.1).
Identifiers: ClinVar variation 684174 (VCV000684174.1), dbSNP rs7612869, ClinGen allele CA11568577.
Genomic context (GRCh38, chr3:45,485,992, plus strand): 5'-CCCTTCATTTAATCATCCCTTGTTTCAGAACTACATTTTGAAAATATACTAGGTATATTG[T>C]ACTTTGCTCGTTGCTACTGAGAATAAGAAGTATCTGACCTACAAATCTTGCCAGTAGAGT-3'

ClinVar aggregate classification (germline): Benign (1 of 4 stars; one submission).

Allele frequency attached by ClinVar (database versions not stated): 1000 Genomes Project 30x 0.81590; TOPMed 0.82129; 1000 Genomes Project 0.82268; gnomAD 0.83152 and 0.83891.
gnomAD v4.1: 127,663 of 151,952 alleles (84%); highest among the groups gnomAD compares: East Asian, 98%; 56,038 homozygotes.

Submission:

GeneDx
Classification: Benign. Last evaluated: 2018-06-14. Review status: criteria provided, single submitter. Criteria: GeneDx Variant Classification (06012015). Collection method: clinical testing. Allele origin: germline. Affected: yes.
Comment: This variant is considered likely benign or benign based on one or more of the following criteria: it is a conservative change, it occurs at a poorly conserved position in the protein, it is predicted to be benign by multiple in silico algorithms, and/or has population frequency not consistent with disease.